The following is an entry in ClinVar:

NC_000012.11:g.(?_32729292)_(32875587_?)del

Genes: DNM1L (dynamin 1 like; plus strand), FGD4 (FYVE, RhoGEF and PH domain containing 4; plus strand). Cytogenetic location: 12p11.21.
Variant type: Deletion.
Identifiers: ClinVar variation 3244417 (VCV003244417.1).

ClinVar aggregate classification (germline): Pathogenic (1 of 4 stars; one submission).

Submission:

Labcorp Genetics (formerly Invitae), Labcorp
Classification: Pathogenic. Last evaluated: 2023-12-06. Review status: criteria provided, single submitter. Criteria: Invitae Variant Classification Sherloc (09022015). Collection method: clinical testing. Allele origin: unknown.
Comment: This variant is a gross deletion of the genomic region encompassing exon(s) 1-9 of the DNM1L gene, which includes the initiator codon. This deletion extends beyond the assayed region for this gene and therefore may encompass additional genes. It is expected to result in an absent or disrupted protein product. Loss-of-function variants in DNM1L are known to be pathogenic (PMID: 26825290, 27328748). This variant has not been reported in the literature in individuals affected with DNM1L-related conditions. For these reasons, this variant has been classified as Pathogenic.

Literature cited by the submitters: PubMed 26825290; PubMed 27328748.